The following is an entry in ClinVar:

NM_173598.6(KSR2):c.2151A>G (p.Thr717=)

Gene: KSR2 (kinase suppressor of ras 2; minus strand). Cytogenetic location: 12q24.22.
Variant type: single nucleotide variant.
Coding change: c.2151A>G on transcript NM_173598.6 (MANE Select); coding-DNA position 2151, A replaced by G.
Protein change: p.Thr717=; no amino-acid change (threonine 717 retained).
Molecular consequence: synonymous variant.
Genome position (GRCh38, 1-based): chr12:117,524,920, T>C on the plus strand (A>G on the coding strand, the complement: KSR2 is on the minus strand). VCF-style: chr12-117524920-T-C. GRCh37 (hg19) VCF-style: chr12-117962725-T-C.
Identifiers: ClinVar variation 3353864 (VCV003353864.1).
Genomic context (GRCh38, chr12:117,524,920, plus strand): 5'-GATGGCCAGGTGAGGCGGGCTCATGCAGGCACCCATGAAAAGCACCACGTTCTCATGCCG[T>C]GTCTGCCTGTAGGCCATCACCTCCCGCTTGAAGGCCTTGAGCTGGTCCTCGTTGTCCCTC-3'
Protein context (NP_775869.4, residues 707-727): FKREVMAYRQ[Thr717=]RHENVVLFMG

ClinVar aggregate classification (germline): Likely benign (0 of 4 stars; one submission).

Conditions:
KSR2-related disorder. Also called: KSR2-related condition.

Submission:

PreventionGenetics, part of Exact Sciences
Classification: Likely benign for KSR2-related condition. Last evaluated: 2023-02-14. Review status: no assertion criteria provided. Collection method: clinical testing. Allele origin: germline.
Comment: This variant is classified as likely benign based on ACMG/AMP sequence variant interpretation guidelines (Richards et al. 2015 PMID: 25741868, with internal and published modifications).